The following is an entry in ClinVar:

ClinVar aggregate classification (germline): Benign/Likely benign. Review status: criteria provided, multiple submitters, no conflicts (2 of 4 stars). 2 submissions from 2 submitters: Benign (1); Likely benign (1). Last evaluated 2025-12-29.

Conditions:
Hereditary sensory and autonomic neuropathy type 6. Also called: HSAN VI; Neuropathy, hereditary sensory and autonomic, type VI. Identifiers: Orphanet 314381, MedGen C3539003, MONDO:0013839, OMIM 614653.
Epidermolysis bullosa simplex 3, localized or generalized intermediate, with BP230 deficiency (EBS3). Also called: Epidermolysis bullosa simplex, autosomal recessive 2; Epidermolysis bullosa simplex due to BP230 deficiency. Identifiers: Orphanet 412181, MedGen C3809470, MONDO:0014180, OMIM 615425.
DST-related disorder. Also called: DST-related condition; DST-related disorders.

Allele frequency attached by ClinVar (database versions not stated): TOPMed 0.00012; gnomAD 0.00011; gnomAD exomes 0.00011 and 0.00018; ESP Exome Variant Server 0.00025; ExAC 0.00014.
gnomAD v4.1: 195 of 1,613,868 alleles (0.012%); highest among the groups gnomAD compares: Admixed American, 0.0083%; no homozygotes.

Submissions (2):

Labcorp Genetics (formerly Invitae), Labcorp
Classification: Benign for Epidermolysis bullosa simplex 3, localized or generalized intermediate, with BP230 deficiency; Hereditary sensory and autonomic neuropathy type 6. Last evaluated: 2025-12-29. Review status: criteria provided, single submitter. Criteria: Invitae Variant Classification Sherloc (09022015). Collection method: clinical testing. Allele origin: germline.

PreventionGenetics, part of Exact Sciences
Classification: Likely benign for DST-related condition. Last evaluated: 2025-10-20. Review status: criteria provided, single submitter. Criteria: ACMG Guidelines, 2015. Collection method: clinical testing. Allele origin: germline.
Comment: This variant is classified as likely benign based on ACMG/AMP sequence variant interpretation guidelines (Richards et al. 2015 PMID: 25741868, with internal and published modifications).

NM_001374736.1(DST):c.15586T>C (p.Leu5196=)

Gene: DST (dystonin; minus strand). Cytogenetic location: 6p12.1.
Variant type: single nucleotide variant.
Coding change: c.15586T>C on transcript NM_001374736.1 (MANE Select); coding-DNA position 15586, T replaced by C.
Protein change: p.Leu5196=; no amino-acid change (leucine 5196 retained).
Molecular consequence: synonymous variant.
Genome position (GRCh38, 1-based): chr6:56,553,206, A>G on the plus strand (T>C on the coding strand, the complement: DST is on the minus strand). VCF-style: chr6-56553206-A-G. GRCh37 (hg19) VCF-style: chr6-56418004-A-G.
Other names: c.9229T>C, p.Leu3077= (NM_001144769.5); c.8815T>C, p.Leu2939= (NM_001144770.2); c.15586T>C, p.Leu5196= (NM_001374722.1); c.14953T>C, p.Leu4985= (NM_001374729.1); c.8695T>C, p.Leu2899= (NM_001374730.1, NM_001386100.1, NM_183380.4); c.15613T>C, p.Leu5205= (NM_001374734.1); c.7717T>C, p.Leu2573= (NM_015548.5).
Identifiers: ClinVar variation 795673 (VCV000795673.13), dbSNP rs200133509, ClinGen allele CA3867800.